The following is an entry in ClinVar:

ClinVar aggregate classification (germline): Uncertain significance. Review status: criteria provided, multiple submitters, no conflicts (2 of 4 stars). 2 submissions from 2 submitters: Uncertain significance (2). Last evaluated 2026-03-12.

Conditions:
Primary ciliary dyskinesia. Also called: Ciliary dyskinesia. Identifiers: Orphanet 244, MedGen C0008780, MONDO:0016575, HP:0012265.

Allele frequency attached by ClinVar (database versions not stated): ExAC 0.00002; gnomAD 0.00002; gnomAD exomes 0.00002; TOPMed 0.00002.

Submissions (2):

Ambry Genetics
Classification: Uncertain significance for Primary ciliary dyskinesia. Last evaluated: 2026-03-12. Review status: criteria provided, single submitter. Criteria: Ambry Variant Classification Scheme 2023. Collection method: clinical testing. Allele origin: germline.
Comment: The p.L125P variant (also known as c.374T>C), located in coding exon 1 of the DNAAF2 gene, results from a T to C substitution at nucleotide position 374. The leucine at codon 125 is replaced by proline, an amino acid with similar properties. This amino acid position is conserved. In addition, this alteration is predicted to be deleterious by in silico analysis. Based on the available evidence, the clinical significance of this variant remains unclear.

Labcorp Genetics (formerly Invitae), Labcorp
Classification: Uncertain significance for Primary ciliary dyskinesia. Last evaluated: 2021-09-01. Review status: criteria provided, single submitter. Criteria: Invitae Variant Classification Sherloc (09022015). Collection method: clinical testing. Allele origin: germline.
Comment: This sequence change replaces leucine with proline at codon 125 of the DNAAF2 protein (p.Leu125Pro). The leucine residue is moderately conserved and there is a moderate physicochemical difference between leucine and proline. This variant is present in population databases (rs771875922, ExAC 0.004%). This variant has not been reported in the literature in individuals affected with DNAAF2-related conditions. Algorithms developed to predict the effect of missense changes on protein structure and function are either unavailable or do not agree on the potential impact of this missense change (SIFT: "Deleterious"; PolyPhen-2: "Probably Damaging"; Align-GVGD: "Class C0"). In summary, the available evidence is currently insufficient to determine the role of this variant in disease. Therefore, it has been classified as a Variant of Uncertain Significance.

NM_018139.3(DNAAF2):c.374T>C (p.Leu125Pro)

Gene: DNAAF2 (dynein axonemal assembly factor 2; minus strand). Cytogenetic location: 14q21.3.
Variant type: single nucleotide variant.
Coding change: c.374T>C on transcript NM_018139.3 (MANE Select); coding-DNA position 374, T replaced by C.
Protein change: p.Leu125Pro; replaces leucine 125 with proline.
Molecular consequence: missense variant.
Genome position (GRCh38, 1-based): chr14:49,634,776, A>G on the plus strand (T>C on the coding strand, the complement: DNAAF2 is on the minus strand). VCF-style: chr14-49634776-A-G. GRCh37 (hg19) VCF-style: chr14-50101494-A-G.
Other names: c.374T>C, p.Leu125Pro (NM_001083908.2); short protein forms L125P.
Identifiers: ClinVar variation 572003 (VCV000572003.8), dbSNP rs771875922, ClinGen allele CA7173126.